The following is an entry in ClinVar:

ClinVar aggregate classification (germline): Uncertain significance. Review status: criteria provided, multiple submitters, no conflicts (2 of 4 stars). 3 submissions from 3 submitters: Uncertain significance (2). 1 of the submissions does not count toward it. Last evaluated 2025-01-15.

Conditions:
Fraser syndrome 1 (FRASRS1). Also called: CRYPTOPHTHALMOS WITH OTHER MALFORMATIONS. Identifiers: Orphanet 2052, MedGen C4551480, MONDO:0054737, OMIM 219000.

Allele frequency attached by ClinVar (database versions not stated): gnomAD 0.00003 and 0.00004; TOPMed 0.00003; gnomAD exomes 0.00004 and 0.00005; ExAC 0.00006.
gnomAD v4.1: 67 of 1,613,944 alleles (0.0042%); highest among the groups gnomAD compares: Non-Finnish European, 0.0052%; no homozygotes.

Submissions (3):

Labcorp Genetics (formerly Invitae), Labcorp
Classification: Uncertain significance. Last evaluated: 2025-01-15. Review status: criteria provided, single submitter. Criteria: Invitae Variant Classification Sherloc (09022015). Collection method: clinical testing. Allele origin: germline.
Comment: This sequence change replaces leucine, which is neutral and non-polar, with arginine, which is basic and polar, at codon 685 of the FRAS1 protein (p.Leu685Arg). This variant is present in population databases (rs767882606, gnomAD 0.008%). This variant has not been reported in the literature in individuals affected with FRAS1-related conditions. ClinVar contains an entry for this variant (Variation ID: 1048892). An algorithm developed to predict the effect of missense changes on protein structure and function (PolyPhen-2) suggests that this variant¬†is likely to be tolerated. In summary, the available evidence is currently insufficient to determine the role of this variant in disease. Therefore, it has been classified as a Variant of Uncertain Significance.

Fulgent Genetics
Classification: Uncertain significance for Fraser syndrome 1. Last evaluated: 2022-03-04. Review status: criteria provided, single submitter. Criteria: ACMG Guidelines, 2015. Collection method: clinical testing. Allele origin: unknown.

Department of Pathology and Laboratory Medicine, Sinai Health System
Classification: Uncertain significance. Review status: no assertion criteria provided. Collection method: clinical testing. Allele origin: unknown. Affected: yes. Study: The Canadian Open Genetics Repository (COGR). Not counted in ClinVar's aggregate classification.
Comment: The FRAS1 p.Leu685Arg variant was not identified in the literature nor was it identified in ClinVar or LOVD 3.0. The variant was identified in dbSNP (ID: rs767882606) and was identified in control databases in 12 of 249184 chromosomes at a frequency of 0.00004816 (Genome Aggregation Database March 6, 2019, v2.1.1). The variant was observed in the following populations: Other in 1 of 6050 chromosomes (freq: 0.000165), European (non-Finnish) in 10 of 112946 chromosomes (freq: 0.000089) and European (Finnish) in 1 of 21546 chromosomes (freq: 0.000046), but was not observed in the African, Latino, Ashkenazi Jewish, East Asian or South Asian populations. The p.Leu685 residue is not conserved in mammals and computational analyses (PolyPhen-2, SIFT, AlignGVGD, BLOSUM, MutationTaster) provide inconsistent predictions regarding the impact to the protein; this information is not very predictive of pathogenicity. The variant occurs outside of the splicing consensus sequence and in silico or computational prediction software programs (SpliceSiteFinder, MaxEntScan, NNSPLICE, GeneSplicer) do not predict a difference in splicing. In summary, based on the above information the clinical significance of this variant cannot be determined with certainty at this time. This variant is classified as a variant of uncertain significance.

NM_025074.7(FRAS1):c.2054T>G (p.Leu685Arg)

Gene: FRAS1 (Fraser extracellular matrix complex subunit 1; plus strand). Cytogenetic location: 4q21.21.
Variant type: single nucleotide variant.
Coding change: c.2054T>G on transcript NM_025074.7 (MANE Select); coding-DNA position 2054, T replaced by G.
Protein change: p.Leu685Arg; replaces leucine 685 with arginine.
Molecular consequence: missense variant.
Genome position (GRCh38, 1-based): chr4:78,318,903, T>G. VCF-style: chr4-78318903-T-G. GRCh37 (hg19) VCF-style: chr4-79240057-T-G.
Other names: c.2054T>G, p.Leu685Arg (NM_001166133.2); short protein forms L685R.
Identifiers: ClinVar variation 1048892 (VCV001048892.6), dbSNP rs767882606, ClinGen allele CA2976537.
Genomic context (GRCh38, chr4:78,318,903, plus strand): 5'-CCGCACCCTCTCACTGTACTGGGTGTAAGAAGCCAGAGGAAGGACTGCAAGTGGAGCAGC[T>G]GTCTGACGTGGGCATCCCCTCTGGCGAGTGTCTAGCCCAGTGTAGAGCCCATTTTTACTT-3'
Protein context (NP_079350.5, residues 675-695): KPEEGLQVEQ[Leu685Arg]SDVGIPSGEC